The following is an entry in ClinVar:

NM_006172.4(NPPA):c.61G>A (p.Gly21Ser)

Genes: NPPA (natriuretic peptide A; minus strand), LOC114827827 (VISTA enhancer hs2123; plus strand). Cytogenetic location: 1p36.22.
Variant type: single nucleotide variant.
Coding change: c.61G>A on transcript NM_006172.4 (MANE Select); coding-DNA position 61, G replaced by A.
Protein change: p.Gly21Ser; replaces glycine 21 with serine.
Molecular consequence: missense variant.
Genome position (GRCh38, 1-based): chr1:11,847,624, C>T on the plus strand (G>A on the coding strand, the complement: NPPA is on the minus strand). VCF-style: chr1-11847624-C-T. GRCh37 (hg19) VCF-style: chr1-11907681-C-T.
Other names: short protein forms G21S.
Identifiers: ClinVar variation 1406460 (VCV001406460.8), dbSNP rs138410047, ClinGen allele CA597123.

ClinVar aggregate classification (germline): Uncertain significance (1 of 4 stars; one submission).

Conditions:
Atrial fibrillation, familial, 6 (ATFB6). Identifiers: MedGen C2677294, MONDO:0012816, OMIM 612201.

Submission:

Labcorp Genetics (formerly Invitae), Labcorp
Classification: Uncertain significance for Atrial fibrillation, familial, 6. Last evaluated: 2023-09-18. Review status: criteria provided, single submitter. Criteria: Invitae Variant Classification Sherloc (09022015). Collection method: clinical testing. Allele origin: germline.
Comment: This variant has not been reported in the literature in individuals affected with NPPA-related conditions. This variant is present in population databases (rs138410047, gnomAD 0.008%). This sequence change replaces glycine, which is neutral and non-polar, with serine, which is neutral and polar, at codon 21 of the NPPA protein (p.Gly21Ser). In summary, the available evidence is currently insufficient to determine the role of this variant in disease. Therefore, it has been classified as a Variant of Uncertain Significance. An algorithm developed to predict the effect of missense changes on protein structure and function (PolyPhen-2) suggests that this variant is likely to be disruptive. ClinVar contains an entry for this variant (Variation ID: 1406460).